The following is an entry in ClinVar:

NM_000089.4(COL1A2):c.838G>T (p.Gly280Cys)

Gene: COL1A2 (collagen type I alpha 2 chain; plus strand). Cytogenetic location: 7q21.3.
Variant type: single nucleotide variant.
Coding change: c.838G>T on transcript NM_000089.4 (MANE Select); coding-DNA position 838, G replaced by T.
Protein change: p.Gly280Cys; replaces glycine 280 with cysteine.
Molecular consequence: missense variant.
Genome position (GRCh38, 1-based): chr7:94,409,367, G>T. VCF-style: chr7-94409367-G-T. GRCh37 (hg19) VCF-style: chr7-94038679-G-T.
Other names: short protein forms G280C.
Identifiers: ClinVar variation 1708366 (VCV001708366.8), dbSNP rs72656387, ClinGen allele CA368220623.

ClinVar aggregate classification (germline): Pathogenic/Likely pathogenic. Review status: criteria provided, multiple submitters, no conflicts (2 of 4 stars). 3 submissions from 3 submitters: Pathogenic (2); Likely pathogenic (1). Last evaluated 2025-07-16.

Conditions:
Osteogenesis imperfecta type III (OI3). Also called: Osteogenesis imperfecta type 3; OI type 3; Osteogenesis imperfecta, progressively deforming with normal sclerae; OI type III; Progressively Deforming Osteogenesis Imperfecta. Identifiers: Orphanet 216812, Orphanet 666, MedGen C0268362, MONDO:0009804, OMIM 259420.
Ehlers-Danlos syndrome, classic type, 1 (EDSCL1). Also called: EDS I; Ehlers-Danlos syndrome, type 1; EHLERS-DANLOS SYNDROME, GRAVIS TYPE; EHLERS-DANLOS SYNDROME, SEVERE CLASSIC TYPE; Ehlers-Danlos Syndrome, Classic Type, COL5A1-Related. Identifiers: MedGen C0268335, MONDO:0019567, OMIM 130000.
Osteogenesis imperfecta type I (OI1). Also called: Osteogenesis imperfecta type 1; Lobstein's Disease; OI, TYPE I; OSTEOGENESIS IMPERFECTA TARDA; OSTEOGENESIS IMPERFECTA WITH BLUE SCLERAE; Lobstein disease. Identifiers: Orphanet 216796, Orphanet 666, MedGen C0023931, MONDO:0008146, OMIM 166200. Disease mechanism: loss of function.

Submissions (3):

Clinical Biomedical Laboratory, Shriners Hospital For Children - Canada
Classification: Pathogenic for Osteogenesis imperfecta type III. Last evaluated: 2025-07-16. Review status: criteria provided, single submitter. Criteria: ACMG Guidelines, 2015. Collection method: clinical testing. Allele origin: germline. Affected: yes.
Comment: This variant is predicted to substitute a glycine residue by a cycteine residue in the alpha 2 chain of collagen type I. Glycine substitutions in the triple helical domain of collagen type I cause disruption in the formation of the triple helix in the collagen molecule and are a typical cause of osteogenesis imperfecta. This variant is absent from the Genome Aggregation Database v.2.1.1, indicating it is very rare. Prediction tools (REVEL: 0.98) suggest that the change is detrimental to protein function.

Labcorp Genetics (formerly Invitae), Labcorp
Classification: Pathogenic for Osteogenesis imperfecta type I; Ehlers-Danlos syndrome, classic type, 1. Last evaluated: 2022-07-23. Review status: criteria provided, single submitter. Criteria: Invitae Variant Classification Sherloc (09022015). Collection method: clinical testing. Allele origin: germline.
Comment: This sequence change replaces glycine, which is neutral and non-polar, with cysteine, which is neutral and slightly polar, at codon 280 of the COL1A2 protein (p.Gly280Cys). This variant is not present in population databases (gnomAD no frequency). For these reasons, this variant has been classified as Pathogenic. This variant disrupts the triple helix domain of COL1A2. Glycine residues within the Gly-Xaa-Yaa repeats of the triple helix domain are required for the structure and stability of fibrillar collagens (PMID: 7695699, 8218237, 19344236). In COL1A2, variants affecting these glycine residues are significantly enriched in individuals with disease (PMID: 9016532, 17078022) compared to the general population (ExAC). Advanced modeling of protein sequence and biophysical properties (such as structural, functional, and spatial information, amino acid conservation, physicochemical variation, residue mobility, and thermodynamic stability) performed at Invitae indicates that this missense variant is expected to disrupt COL1A2 protein function. This missense change has been observed in individual(s) with autosomal dominant osteogenesis imperfecta (PMID: 27519266).

Centre of Medical Genetics, University Hospital Muenster
Classification: Likely pathogenic. Last evaluated: 2021-12-21. Review status: criteria provided, single submitter. Criteria: ACMG Guidelines, 2015. Collection method: clinical testing. Allele origin: unknown. Affected: yes. Observed: 1 variant allele, 1 heterozygote.
Comment: ACMG categories: PM1,PM2,PM5,PP3,BP1

Literature cited by the submitters: PubMed 7695699 (cited by Labcorp Genetics (formerly Invitae), Labcorp); PubMed 8218237 (cited by Labcorp Genetics (formerly Invitae), Labcorp); PubMed 19344236 (cited by Labcorp Genetics (formerly Invitae), Labcorp); PubMed 9016532 (cited by Labcorp Genetics (formerly Invitae), Labcorp); PubMed 17078022 (cited by Labcorp Genetics (formerly Invitae), Labcorp); PubMed 27519266 (cited by Labcorp Genetics (formerly Invitae), Labcorp and Centre of Medical Genetics, University Hospital Muenster).